The following is an entry in ClinVar:

ClinVar aggregate classification (germline): Uncertain significance. Review status: criteria provided, multiple submitters, no conflicts (2 of 4 stars). 2 submissions from 2 submitters: Uncertain significance (2). Last evaluated 2024-09-03.

Allele frequency attached by ClinVar (database versions not stated): ExAC 0.00007; gnomAD 0.00015; 1000 Genomes Project 30x 0.00016; 1000 Genomes Project 0.00020; TOPMed 0.00020; ESP Exome Variant Server 0.00046.
gnomAD v4.1: 57 of 1,614,172 alleles (0.0035%); highest among the groups gnomAD compares: African/African-American, 0.061%; no homozygotes.

Submissions (2):

Ambry Genetics
Classification: Uncertain significance. Last evaluated: 2024-09-03. Review status: criteria provided, single submitter. Criteria: Ambry Variant Classification Scheme 2023. Collection method: clinical testing. Allele origin: germline.

Labcorp Genetics (formerly Invitae), Labcorp
Classification: Uncertain significance. Last evaluated: 2023-12-14. Review status: criteria provided, single submitter. Criteria: Invitae Variant Classification Sherloc (09022015). Collection method: clinical testing. Allele origin: germline.
Comment: This sequence change replaces serine, which is neutral and polar, with alanine, which is neutral and non-polar, at codon 1879 of the IGSF10 protein (p.Ser1879Ala). This variant is present in population databases (rs146860096, gnomAD 0.09%), and has an allele count higher than expected for a pathogenic variant. This variant has not been reported in the literature in individuals affected with IGSF10-related conditions. ClinVar contains an entry for this variant (Variation ID: 2188858). An algorithm developed to predict the effect of missense changes on protein structure and function (PolyPhen-2) suggests that this variant is likely to be tolerated. In summary, the available evidence is currently insufficient to determine the role of this variant in disease. Therefore, it has been classified as a Variant of Uncertain Significance.

NM_178822.5(IGSF10):c.5635T>G (p.Ser1879Ala)

Gene: IGSF10 (immunoglobulin superfamily member 10; minus strand). Cytogenetic location: 3q25.1.
Variant type: single nucleotide variant.
Coding change: c.5635T>G on transcript NM_178822.5 (MANE Select); coding-DNA position 5635, T replaced by G.
Protein change: p.Ser1879Ala; replaces serine 1879 with alanine.
Molecular consequence: missense variant.
Genome position (GRCh38, 1-based): chr3:151,443,312, A>C on the plus strand (T>G on the coding strand, the complement: IGSF10 is on the minus strand). VCF-style: chr3-151443312-A-C. GRCh37 (hg19) VCF-style: chr3-151161100-A-C.
Other names: c.5635T>G, p.Ser1879Ala (NM_001385060.1, NM_001385061.1, NM_001385062.1 and 1 more transcripts); c.5635T>G (NM_178822.4); short protein forms S1879A.
Identifiers: ClinVar variation 2188858 (VCV002188858.5), dbSNP rs146860096, ClinGen allele CA2669701.